The following is an entry in ClinVar:

ClinVar aggregate classification (germline): Pathogenic (1 of 4 stars; one submission).

Conditions:
Fumarase deficiency (FMRD). Also called: Fumaric aciduria; Fumarate Hydratase Deficiency. Identifiers: Orphanet 24, MedGen C0342770, MONDO:0011730, OMIM 606812.
Hereditary leiomyomatosis and renal cell cancer. Also called: MULTIPLE CUTANEOUS AND UTERINE LEIOMYOMATA 1, WITH OR WITHOUT RENAL CELL CARCINOMA; LEIOMYOMA, MULTIPLE CUTANEOUS; FH tumor predisposition syndrome; Reed syndrome; Multiple cutaneous and uterine leiomyomatosis; Cutaneous leiomyomata with uterine leiomyomata. Identifiers: Orphanet 523, MedGen C1708350, MONDO:0007888, OMIM 150800, HP:0007437. Disease mechanism: loss of function.

Submission:

Juno Genomics, Hangzhou Juno Genomics, Inc
Classification: Pathogenic for Fumarase deficiency; Hereditary leiomyomatosis and renal cell cancer. Review status: criteria provided, single submitter. Criteria: ACMG Guidelines, 2015. Collection method: clinical testing. Allele origin: germline. Affected: yes.
Comment: Absent from controls (or at extremely low frequency if recessive) in Genome Aggregation Database, Exome Sequencing Project, 1000 Genomes Project, or Exome Aggregation Consortium.;Null variant in a gene where loss of function (LOF) is a known mechanism of disease.;Patient's phenotype or family history is highly specific for a disease with a single genetic etiology.

NM_000143.4(FH):c.1057del (p.Leu353fs)

Gene: FH (fumarate hydratase; minus strand). Cytogenetic location: 1q43.
Variant type: Deletion.
Coding change: c.1057del on transcript NM_000143.4 (MANE Select); coding-DNA position 1057, one base deleted (C; older notation c.1057delC).
Protein change: p.Leu353fs; shifts the reading frame from leucine 353.
Molecular consequence: frameshift variant.
Genome position (GRCh38, 1-based): chr1:241,504,093, G deleted on the plus strand (C on the coding strand, the reverse complement: FH is on the minus strand). VCF-style (leftmost placement, unchanged base first): chr1-241504092-AG-A. GRCh37 (hg19) VCF-style: chr1-241667392-AG-A.
Other names: short protein forms L353fs.
Identifiers: ClinVar variation 3906964 (VCV003906964.2).